The following is an entry in ClinVar:

ClinVar aggregate classification (germline): Uncertain significance (1 of 4 stars; one submission).

Allele frequency attached by ClinVar (database versions not stated): gnomAD exomes below 0.00001.
gnomAD v4.1: 2 of 1,614,148 alleles (0.00012%); highest among the groups gnomAD compares: Non-Finnish European, 0.00017%; no homozygotes.

Submission:

Ambry Genetics
Classification: Uncertain significance. Last evaluated: 2021-08-18. Review status: criteria provided, single submitter. Criteria: Ambry Variant Classification Scheme 2023. Collection method: clinical testing. Allele origin: germline.
Comment: The p.A874G variant (also known as c.2621C>G), located in coding exon 1 of the MLH3 gene, results from a C to G substitution at nucleotide position 2621. The alanine at codon 874 is replaced by glycine, an amino acid with similar properties. This amino acid position is conserved. In addition, the in silico prediction for this alteration is inconclusive. Since supporting evidence is limited at this time, the clinical significance of this alteration remains unclear.

NM_001040108.2(MLH3):c.2621C>G (p.Ala874Gly)

Gene: MLH3 (mutL homolog 3; minus strand). Cytogenetic location: 14q24.3.
Variant type: single nucleotide variant.
Coding change: c.2621C>G on transcript NM_001040108.2 (MANE Select); coding-DNA position 2621, C replaced by G.
Protein change: p.Ala874Gly; replaces alanine 874 with glycine.
Molecular consequence: missense variant.
Genome position (GRCh38, 1-based): chr14:75,047,035, G>C on the plus strand (C>G on the coding strand, the complement: MLH3 is on the minus strand). VCF-style: chr14-75047035-G-C. GRCh37 (hg19) VCF-style: chr14-75513738-G-C.
Other names: c.2621C>G, p.Ala874Gly (NM_014381.3); short protein forms A874G.
Identifiers: ClinVar variation 1793954 (VCV001793954.2), dbSNP rs2139559279, ClinGen allele CA390439395.